The following is an entry in ClinVar:

NM_014283.5(SUCO):c.1520A>G (p.Asn507Ser)

Gene: SUCO (SUN domain containing ossification factor; plus strand). Cytogenetic location: 1q24.3.
Variant type: single nucleotide variant.
Coding change: c.1520A>G on transcript NM_014283.5 (MANE Select); coding-DNA position 1520, A replaced by G.
Protein change: p.Asn507Ser; replaces asparagine 507 with serine.
Molecular consequence: missense variant. On other transcripts: intron variant (1).
Genome position (GRCh38, 1-based): chr1:172,585,039, A>G. VCF-style: chr1-172585039-A-G. GRCh37 (hg19) VCF-style: chr1-172554179-A-G.
Other names: c.1409A>G, p.Asn470Ser (NM_001282750.2); c.1973A>G, p.Asn658Ser (NM_016227.4); c.-31-3721A>G (NM_001282751.2); short protein forms N507S, N470S, N658S.
Identifiers: ClinVar variation 1508873 (VCV001508873.6), dbSNP rs1189477971, ClinGen allele CA343740178.
Genomic context (GRCh38, chr1:172,585,039, plus strand): 5'-TAGGTATTTGGTACTTTTTCTGATTGAATTTTGTTTTAGATGCCATTCTAAATATGGTGA[A>G]TATTGCTGCTAATATTCTGGGAGCAAAAACTGAAGACCTGACAGAAGGTACCTAATCATT-3'
Protein context (NP_055098.1, residues 497-517): SATNAILNMV[Asn507Ser]IAANILGAKT

ClinVar aggregate classification (germline): Uncertain significance (1 of 4 stars; one submission).

Submission:

Labcorp Genetics (formerly Invitae), Labcorp
Classification: Uncertain significance. Last evaluated: 2022-02-09. Review status: criteria provided, single submitter. Criteria: Invitae Variant Classification Sherloc (09022015). Collection method: clinical testing. Allele origin: germline.
Comment: Algorithms developed to predict the effect of sequence changes on RNA splicing suggest that this variant may create or strengthen a splice site. In summary, the available evidence is currently insufficient to determine the role of this variant in disease. Therefore, it has been classified as a Variant of Uncertain Significance. Algorithms developed to predict the effect of missense changes on protein structure and function are either unavailable or do not agree on the potential impact of this missense change (SIFT: "Tolerated"; PolyPhen-2: "Probably Damaging"; Align-GVGD: "Class C0"). This variant has not been reported in the literature in individuals affected with SUCO-related conditions. This variant is not present in population databases (gnomAD no frequency). This sequence change replaces asparagine, which is neutral and polar, with serine, which is neutral and polar, at codon 507 of the SUCO protein (p.Asn507Ser).